The following is an entry in ClinVar:

ClinVar aggregate classification (germline): Uncertain significance (1 of 4 stars; one submission).

Conditions:
Familial cancer of breast. Also called: hereditary breast carcinoma; Hereditary breast cancer; BREAST CANCER, FAMILIAL. Identifiers: Orphanet 227535, MedGen C0346153, MONDO:0016419, OMIM 114480. Disease mechanism: loss of function.

Submission:

Labcorp Genetics (formerly Invitae), Labcorp
Classification: Uncertain significance for Hereditary Breast Carcinoma. Last evaluated: 2018-07-18. Review status: criteria provided, single submitter. Criteria: Invitae Variant Classification Sherloc (09022015). Collection method: clinical testing. Allele origin: germline.
Comment: This variant results in a copy number gain of the genomic region encompassing exons 12 and 13 of the PALB2 gene. The 5' boundary is likely confined to intron 11. The 3' end of this event is unknown as it extends beyond the assayed region for this gene and therefore may encompass additional genes. As the precise location of this event is unknown, it may be in tandem or it may be located elsewhere in the genome. A copy number gain of exons 12-13 has not been reported in the literature in individuals with PALB2-related disease. In summary, the available evidence is currently insufficient to determine the role of this variant in disease. Therefore, it has been classified as a Variant of Uncertain Significance.

NC_000016.9:g.(?_23614770)_(23619343_?)dup

Gene: PALB2 (partner and localizer of BRCA2; minus strand). Cytogenetic location: 16p12.2.
Variant type: Duplication.
Identifiers: ClinVar variation 646960 (VCV000646960.2).